The following is an entry in ClinVar:

ClinVar aggregate classification (germline): Uncertain significance (1 of 4 stars; one submission).

Conditions:
Duchenne muscular dystrophy (DMD). Also called: MUSCULAR DYSTROPHY, PSEUDOHYPERTROPHIC PROGRESSIVE, DUCHENNE TYPE; Duchenne Muscular Dystrophy (DMD). Identifiers: Orphanet 98896, MedGen C0013264, MONDO:0010679, OMIM 310200.

Submission:

Labcorp Genetics (formerly Invitae), Labcorp
Classification: Uncertain significance for Duchenne muscular dystrophy. Last evaluated: 2025-06-27. Review status: criteria provided, single submitter. Criteria: Invitae Variant Classification Sherloc (09022015). Collection method: clinical testing. Allele origin: germline.
Comment: This sequence change replaces leucine, which is neutral and non-polar, with phenylalanine, which is neutral and non-polar, at codon 1134 of the DMD protein (p.Leu1134Phe). This variant is not present in population databases (gnomAD no frequency). This variant has not been reported in the literature in individuals affected with DMD-related conditions. Invitae Evidence Modeling of protein sequence and biophysical properties (such as structural, functional, and spatial information, amino acid conservation, physicochemical variation, residue mobility, and thermodynamic stability) indicates that this missense variant is not expected to disrupt DMD protein function with a negative predictive value of 95%. In summary, the available evidence is currently insufficient to determine the role of this variant in disease. Therefore, it has been classified as a Variant of Uncertain Significance.

NM_004006.3(DMD):c.3400C>T (p.Leu1134Phe)

Gene: DMD (dystrophin; minus strand). Cytogenetic location: Xp21.1.
Variant type: single nucleotide variant.
Coding change: c.3400C>T on transcript NM_004006.3 (MANE Select); coding-DNA position 3400, C replaced by T.
Protein change: p.Leu1134Phe; replaces leucine 1134 with phenylalanine.
Molecular consequence: missense variant.
Genome position (GRCh38, 1-based): chrX:32,463,471, G>A on the plus strand (C>T on the coding strand, the complement: DMD is on the minus strand). VCF-style: chrX-32463471-G-A. GRCh37 (hg19) VCF-style: chrX-32481588-G-A.
Other names: c.3376C>T, p.Leu1126Phe (NM_000109.4); c.3388C>T, p.Leu1130Phe (NM_004009.3); c.3031C>T, p.Leu1011Phe (NM_004010.3); short protein forms L1126F, L1011F, L1130F, L1134F.
Identifiers: ClinVar variation 4701886 (VCV004701886.1).